The following is an entry in ClinVar:

NM_005732.4(RAD50):c.*5A>G

Genes: RAD50 (RAD50 double strand break repair protein; plus strand), TH2LCRR (T helper type 2 locus control region associated RNA; minus strand). Cytogenetic location: 5q31.1.
Variant type: single nucleotide variant.
Coding change: c.*5A>G on transcript NM_005732.4 (MANE Select); 5 bases downstream of the stop codon, A replaced by G.
Molecular consequence: 3 prime UTR variant.
Genome position (GRCh38, 1-based): chr5:132,642,369, A>G. VCF-style: chr5-132642369-A-G. GRCh37 (hg19) VCF-style: chr5-131978061-A-G.
Identifiers: ClinVar variation 4533091 (VCV004533091.1).

ClinVar aggregate classification (germline): Uncertain significance (1 of 4 stars; one submission).

gnomAD v4.1: 6 of 1,610,806 alleles (0.00037%); highest among the groups gnomAD compares: South Asian, 0.0022%; no homozygotes.

Submission:

Quest Diagnostics Nichols Institute San Juan Capistrano
Classification: Uncertain significance. Last evaluated: 2025-03-31. Review status: criteria provided, single submitter. Criteria: Quest Diagnostics criteria. Collection method: clinical testing. Allele origin: unknown.
Comment: The RAD50 c.*5A>G variant has not been reported in individuals with RAD50-related conditions in the published literature. The frequency of this variant in the general population (Genome Aggregation Database) is uninformative in the assessment of its pathogenicity. Based on the available information, we are unable to determine the clinical significance of this variant.